The following is an entry in ClinVar:

NM_000466.3(PEX1):c.3329_3332del (p.Val1109_Ser1110insTer)

Genes: GATAD1 (GATA zinc finger domain containing 1; plus strand), PEX1 (peroxisomal biogenesis factor 1; minus strand). Cytogenetic location: 7q21.2.
Variant type: Deletion.
Coding change: c.3329_3332del on transcript NM_000466.3 (MANE Select); coding-DNA positions 3329 to 3332, 4 bases deleted (CTTT; older notation c.3329_3332delCTTT).
Protein change: p.Val1109_Ser1110insTer.
Molecular consequence: nonsense.
Genome position (GRCh38, 1-based): chr7:92,491,378-92,491,381, AAAG deleted on the plus strand (CTTT on the coding strand, the reverse complement: PEX1 is on the minus strand); deleting any 4 consecutive bases within chr7:92,491,378-92,491,384 gives the same sequence; the c. name uses the placement nearest the transcript's 3' end. VCF-style (leftmost placement, unchanged base first): chr7-92491377-TAAAG-T. GRCh37 (hg19) VCF-style: chr7-92120691-TAAAG-T.
Other names: c.3158_3161del, p.Val1052_Ser1053insTer (NM_001282677.2); c.2705_2708del, p.Val901_Ser902insTer (NM_001282678.2).
Identifiers: ClinVar variation 817583 (VCV000817583.9), dbSNP rs1585214453, ClinGen allele CA915945346.

ClinVar aggregate classification (germline): Pathogenic/Likely pathogenic. Review status: criteria provided, multiple submitters, no conflicts (2 of 4 stars). 4 submissions from 4 submitters: Pathogenic (1); Likely pathogenic (3). Last evaluated 2025-08-21.

Conditions:
Heimler syndrome 1 (HMLR1). Also called: PEROXISOME BIOGENESIS DISORDER 1C. Identifiers: Orphanet 3220, MedGen C4551980, OMIM 234580, MONDO:0024544.
Zellweger spectrum disorders (ZS). Also called: Zellweger Spectrum Disorder; Zellweger Spectrum; Zellweger Spectrum Disorder (ZSD); Zellweger syndrome. Identifiers: Orphanet 912, MedGen C0043459, MONDO:0019609.

Submissions (4):

Natera, Inc.
Classification: Likely pathogenic for Zellweger syndrome. Last evaluated: 2025-08-21. Review status: criteria provided, single submitter. Criteria: Natera Variant Classification Schema (03/2026). Collection method: clinical testing. Allele origin: germline.
Comment: The c.3329_3332delCTTT variant in PEX1 is a frameshift variant predicted to shift the reading frame and introduce a stop codon. This variant is expected to result in nonsense mediated decay, truncation, or a dysfunctional protein product. This variant is rare in the general population with a frequency below the threshold expected for the associated phenotype(s). Given the available evidence, this variant is classified as Likely Pathogenic.

Labcorp Genetics (formerly Invitae), Labcorp
Classification: Pathogenic for Zellweger spectrum disorders. Last evaluated: 2024-01-15. Review status: criteria provided, single submitter. Criteria: Invitae Variant Classification Sherloc (09022015). Collection method: clinical testing. Allele origin: germline.
Comment: This sequence change creates a premature translational stop signal (p.Ser1110*) in the PEX1 gene. It is expected to result in an absent or disrupted protein product. Loss-of-function variants in PEX1 are known to be pathogenic (PMID: 21031596, 26387595, 31831025). This variant is not present in population databases (gnomAD no frequency). This variant has not been reported in the literature in individuals affected with PEX1-related conditions. ClinVar contains an entry for this variant (Variation ID: 817583). For these reasons, this variant has been classified as Pathogenic.

Baylor Genetics
Classification: Likely pathogenic for Heimler syndrome 1. Last evaluated: 2023-07-20. Review status: criteria provided, single submitter. Criteria: ACMG Guidelines, 2015. Collection method: clinical testing. Allele origin: unknown.

GeneDx
Classification: Likely pathogenic. Last evaluated: 2019-01-25. Review status: criteria provided, single submitter. Criteria: GeneDx Variant Classification (06012015). Collection method: clinical testing. Allele origin: germline. Affected: yes.
Comment: The c.3329_3332delCTTT variant in the PEX1 gene has not been reported previously as a pathogenic variant nor as a benign variant, to our knowledge. The c.3329_3332delCTTT variant causes a frameshift, changing codon Serine 1110 to a premature Stop codon, denoted p.Ser1110Ter. This variant is predicted to cause loss of normal protein function either through protein truncation or nonsense-mediated mRNA decay. The c.3329_3332delCTTT variant is not observed in large population cohorts (Lek et al., 2016). We interpret c.3329_3332delCTTT as a likely pathogenic variant.

Literature cited by the submitters: PubMed 21031596 (cited by Labcorp Genetics (formerly Invitae), Labcorp); PubMed 26387595 (cited by Labcorp Genetics (formerly Invitae), Labcorp); PubMed 31831025 (cited by Labcorp Genetics (formerly Invitae), Labcorp).